The following is an entry in ClinVar:

ClinVar aggregate classification (germline): Likely benign (1 of 4 stars; one submission).

Conditions:
SEMA3A-related disorder. Also called: SEMA3A-related condition.

gnomAD v4.1: 1 of 1,573,628 alleles (0.000064%); highest among the groups gnomAD compares: East Asian, 0.0022%; no homozygotes.

Submission:

PreventionGenetics, part of Exact Sciences
Classification: Likely benign for SEMA3A-related condition. Last evaluated: 2025-07-28. Review status: criteria provided, single submitter. Criteria: ACMG Guidelines, 2015. Collection method: clinical testing. Allele origin: germline.
Comment: This variant is classified as likely benign based on ACMG/AMP sequence variant interpretation guidelines (Richards et al. 2015 PMID: 25741868, with internal and published modifications).

NM_006080.3(SEMA3A):c.1453-10T>C

Gene: SEMA3A (semaphorin 3A; minus strand). Cytogenetic location: 7q21.11.
Variant type: single nucleotide variant.
Coding change: c.1453-10T>C on transcript NM_006080.3 (MANE Select); 10 bases into the intron before coding-DNA position 1453, T replaced by C.
Molecular consequence: intron variant.
Genome position (GRCh38, 1-based): chr7:83,985,487, A>G on the plus strand (T>C on the coding strand, the complement: SEMA3A is on the minus strand). VCF-style: chr7-83985487-A-G. GRCh37 (hg19) VCF-style: chr7-83614803-A-G.
Identifiers: ClinVar variation 4997395 (VCV004997395.1).